The following is an entry in ClinVar:

NM_015999.6(ADIPOR1):c.289T>C (p.Tyr97His)

Gene: ADIPOR1 (adiponectin receptor 1; minus strand). Cytogenetic location: 1q32.1.
Variant type: single nucleotide variant.
Coding change: c.289T>C on transcript NM_015999.6 (MANE Select); coding-DNA position 289, T replaced by C.
Protein change: p.Tyr97His; replaces tyrosine 97 with histidine.
Molecular consequence: missense variant.
Genome position (GRCh38, 1-based): chr1:202,946,580, A>G on the plus strand (T>C on the coding strand, the complement: ADIPOR1 is on the minus strand). VCF-style: chr1-202946580-A-G. GRCh37 (hg19) VCF-style: chr1-202915708-A-G.
Other names: c.289T>C, p.Tyr97His (NM_001127687.1, NM_001290553.2, NM_001290557.1 and 1 more transcripts); short protein forms Y97H.
Identifiers: ClinVar variation 2110418 (VCV002110418.4), dbSNP rs1558011855, ClinGen allele CA344283033.
Genomic context (GRCh38, chr1:202,946,580, plus strand): 5'-GAGGTCTATGACCATGTAGCAGATAGTCGTTGTCCTTTAGCCAGTCAGGGAGCACATCAT[A>G]TGGGATGACCCTCCAACGTCCCTCCCAGACCTAGAACATATACACTTTCTCTGGGTAGGG-3'
Protein context (NP_057083.2, residues 87-107): VWEGRWRVIP[Tyr97His]DVLPDWLKDN

ClinVar aggregate classification (germline): Uncertain significance (1 of 4 stars; one submission).

Allele frequency attached by ClinVar (database versions not stated): gnomAD exomes below 0.00001.
gnomAD v4.1: 2 of 1,614,090 alleles (0.00012%); highest among the groups gnomAD compares: Non-Finnish European, 0.00017%; no homozygotes.

Submission:

Labcorp Genetics (formerly Invitae), Labcorp
Classification: Uncertain significance. Last evaluated: 2025-12-01. Review status: criteria provided, single submitter. Criteria: Invitae Variant Classification Sherloc (09022015). Collection method: clinical testing. Allele origin: germline.
Comment: This sequence change replaces tyrosine, which is neutral and polar, with histidine, which is basic and polar, at codon 97 of the ADIPOR1 protein (p.Tyr97His). This variant is not present in population databases (gnomAD no frequency). This variant has not been reported in the literature in individuals affected with ADIPOR1-related conditions. ClinVar contains an entry for this variant (Variation ID: 2110418). An algorithm developed to predict the effect of missense changes on protein structure and function (PolyPhen-2) suggests that this variant is likely to be tolerated. In summary, the available evidence is currently insufficient to determine the role of this variant in disease. Therefore, it has been classified as a Variant of Uncertain Significance.